The following is an entry in ClinVar:

ClinVar aggregate classification (germline): Uncertain significance (1 of 4 stars; one submission).

Allele frequency attached by ClinVar (database versions not stated): gnomAD exomes 0.00001.
gnomAD v4.1: 12 of 1,211,899 alleles (0.00099%); highest among the groups gnomAD compares: Admixed American, 0.0022%; no homozygotes.

Submission:

Geisinger Autism and Developmental Medicine Institute, Geisinger Health System
Classification: Uncertain significance. Last evaluated: 2017-03-21. Review status: criteria provided, single submitter. Criteria: ACMG Guidelines, 2015. Collection method: provider interpretation, clinical testing. Allele origin: maternal. Observed: 1 variant allele.
Comment: TBL1X is a gene of uncertain significance; no known human disorders have been clearly associated with this gene. However, deletions of the Xp22.2 to p22.3 region, which includes the TBL1X gene, have been reported in multiple individuals with autism and/or intellectual disability. The variant is absent from population databases. Computational prediction models are inconsistent.

Literature cited by the submitters: PubMed 22050706.

NM_005647.4(TBL1X):c.233C>T (p.Thr78Met)

Gene: TBL1X (transducin beta like 1 X-linked; plus strand). Cytogenetic location: Xp22.2.
Variant type: single nucleotide variant.
Coding change: c.233C>T on transcript NM_005647.4 (MANE Select); coding-DNA position 233, C replaced by T.
Protein change: p.Thr78Met; replaces threonine 78 with methionine.
Molecular consequence: missense variant.
Genome position (GRCh38, 1-based): chrX:9,684,064, C>T. VCF-style: chrX-9684064-C-T. GRCh37 (hg19) VCF-style: chrX-9652104-C-T.
Other names: c.233C>T, p.Thr78Met (NM_001139466.1); c.80C>T, p.Thr27Met (NM_001139467.1, NM_001139468.1); short protein forms T78M, T27M.
Identifiers: ClinVar variation 560279 (VCV000560279.3), dbSNP rs1464370959, ClinGen allele CA411996275.